The following is an entry in ClinVar:

ClinVar aggregate classification (germline): Uncertain significance (1 of 4 stars; one submission).

Conditions:
Infantile neuroaxonal dystrophy (NBIA2A). Also called: NEURODEGENERATION WITH BRAIN IRON ACCUMULATION 2A; SEITELBERGER DISEASE; Infantile neuroaxonal dystrophy 1. Identifiers: Orphanet 35069, MedGen C0270724, MONDO:0024457, OMIM 256600.

gnomAD v4.1: 14 of 1,614,104 alleles (0.00087%); highest among the groups gnomAD compares: Non-Finnish European, 0.0012%; no homozygotes.

Submission:

Labcorp Genetics (formerly Invitae), Labcorp
Classification: Uncertain significance for Infantile neuroaxonal dystrophy. Last evaluated: 2022-01-26. Review status: criteria provided, single submitter. Criteria: Invitae Variant Classification Sherloc (09022015). Collection method: clinical testing. Allele origin: germline.
Comment: This sequence change replaces cysteine, which is neutral and slightly polar, with serine, which is neutral and polar, at codon 160 of the PLA2G6 protein (p.Cys160Ser). This variant is present in population databases (no rsID available, gnomAD 0.0009%). This variant has not been reported in the literature in individuals affected with PLA2G6-related conditions. Advanced modeling of protein sequence and biophysical properties (such as structural, functional, and spatial information, amino acid conservation, physicochemical variation, residue mobility, and thermodynamic stability) performed at Invitae indicates that this missense variant is expected to disrupt PLA2G6 protein function. In summary, the available evidence is currently insufficient to determine the role of this variant in disease. Therefore, it has been classified as a Variant of Uncertain Significance.

NM_003560.4(PLA2G6):c.479G>C (p.Cys160Ser)

Gene: PLA2G6 (phospholipase A2 group VI; minus strand). Cytogenetic location: 22q13.1.
Variant type: single nucleotide variant.
Coding change: c.479G>C on transcript NM_003560.4 (MANE Select); coding-DNA position 479, G replaced by C.
Protein change: p.Cys160Ser; replaces cysteine 160 with serine.
Molecular consequence: missense variant. On other transcripts: 5 prime UTR variant (3).
Genome position (GRCh38, 1-based): chr22:38,143,235, C>G on the plus strand (G>C on the coding strand, the complement: PLA2G6 is on the minus strand). VCF-style: chr22-38143235-C-G. GRCh37 (hg19) VCF-style: chr22-38539242-C-G.
Other names: c.479G>C, p.Cys160Ser (NM_001004426.3, NM_001199562.3, NM_001349864.2 and 2 more transcripts); c.-56G>C (NM_001349867.2, NM_001349869.2); c.-12G>C (NM_001349868.2); short protein forms C160S.
Identifiers: ClinVar variation 2152166 (VCV002152166.1), dbSNP rs1487384198, ClinGen allele CA411531944.
Genomic context (GRCh38, chr22:38,143,235, plus strand): 5'-TCCATCTGAGTGTGGCAGTACTGCACCAGCTCCACCAGGATCTCCCCATCACCCTTGCGG[C>G]AGGCCAGGTGCAGGGGTGTGCAGCCCTCCTCGTTCTCCGCGCAATTGGCACAGCTGCAGG-3'
Protein context (NP_003551.2, residues 150-170): EEGCTPLHLA[Cys160Ser]RKGDGEILVE